The following is an entry in ClinVar:

ClinVar aggregate classification (germline): Uncertain significance (1 of 4 stars; one submission).

gnomAD v4.1: 8 of 1,611,090 alleles (0.0005%); highest among the groups gnomAD compares: Non-Finnish European, 0.00068%; no homozygotes.

Submission:

Labcorp Genetics (formerly Invitae), Labcorp
Classification: Uncertain significance. Last evaluated: 2022-10-18. Review status: criteria provided, single submitter. Criteria: Invitae Variant Classification Sherloc (09022015). Collection method: clinical testing. Allele origin: germline.
Comment: In summary, the available evidence is currently insufficient to determine the role of this variant in disease. Therefore, it has been classified as a Variant of Uncertain Significance. Advanced modeling of protein sequence and biophysical properties (such as structural, functional, and spatial information, amino acid conservation, physicochemical variation, residue mobility, and thermodynamic stability) performed at Invitae indicates that this missense variant is not expected to disrupt KRT17 protein function. This variant has not been reported in the literature in individuals affected with KRT17-related conditions. This variant is not present in population databases (gnomAD no frequency). This sequence change replaces glycine, which is neutral and non-polar, with alanine, which is neutral and non-polar, at codon 47 of the KRT17 protein (p.Gly47Ala).

NM_000422.3(KRT17):c.140G>C (p.Gly47Ala)

Gene: KRT17 (keratin 17; minus strand). Cytogenetic location: 17q21.2.
Variant type: single nucleotide variant.
Coding change: c.140G>C on transcript NM_000422.3 (MANE Select); coding-DNA position 140, G replaced by C.
Protein change: p.Gly47Ala; replaces glycine 47 with alanine.
Molecular consequence: missense variant.
Genome position (GRCh38, 1-based): chr17:41,624,370, C>G on the plus strand (G>C on the coding strand, the complement: KRT17 is on the minus strand). VCF-style: chr17-41624370-C-G. GRCh37 (hg19) VCF-style: chr17-39780622-C-G.
Other names: short protein forms G47A.
Identifiers: ClinVar variation 1721821 (VCV001721821.5), dbSNP rs759301828, ClinGen allele CA399513407.